The following is an entry in ClinVar:

ClinVar aggregate classification (germline): Uncertain significance. Review status: criteria provided, multiple submitters, no conflicts (2 of 4 stars). 2 submissions from 2 submitters: Uncertain significance (2). Last evaluated 2025-03-26.

Allele frequency attached by ClinVar (database versions not stated): ExAC 0.00003; gnomAD 0.00003; gnomAD exomes 0.00003; TOPMed 0.00003.
gnomAD v4.1: 41 of 1,614,070 alleles (0.0025%); highest among the groups gnomAD compares: Middle Eastern, 0.033%; 1 homozygote.

Submissions (2):

Labcorp Genetics (formerly Invitae), Labcorp
Classification: Uncertain significance. Last evaluated: 2025-03-26. Review status: criteria provided, single submitter. Criteria: Invitae Variant Classification Sherloc (09022015). Collection method: clinical testing. Allele origin: germline.
Comment: This sequence change replaces arginine, which is basic and polar, with histidine, which is basic and polar, at codon 301 of the SIAE protein (p.Arg301His). This variant is present in population databases (rs747558743, gnomAD 0.03%). This variant has not been reported in the literature in individuals affected with SIAE-related conditions. ClinVar contains an entry for this variant (Variation ID: 2192919). An algorithm developed to predict the effect of missense changes on protein structure and function (PolyPhen-2) suggests that this variant is likely to be disruptive. In summary, the available evidence is currently insufficient to determine the role of this variant in disease. Therefore, it has been classified as a Variant of Uncertain Significance.

Ambry Genetics
Classification: Uncertain significance. Last evaluated: 2021-09-01. Review status: criteria provided, single submitter. Criteria: Ambry Variant Classification Scheme 2023. Collection method: clinical testing. Allele origin: germline.

NM_170601.5(SIAE):c.902G>A (p.Arg301His)

Gene: SIAE (sialic acid acetylesterase; minus strand). Cytogenetic location: 11q24.2.
Variant type: single nucleotide variant.
Coding change: c.902G>A on transcript NM_170601.5 (MANE Select); coding-DNA position 902, G replaced by A.
Protein change: p.Arg301His; replaces arginine 301 with histidine.
Molecular consequence: missense variant.
Genome position (GRCh38, 1-based): chr11:124,647,429, C>T on the plus strand (G>A on the coding strand, the complement: SIAE is on the minus strand). VCF-style: chr11-124647429-C-T. GRCh37 (hg19) VCF-style: chr11-124517325-C-T.
Other names: c.902G>A (NM_170601.4); c.797G>A, p.Arg266His (NM_001199922.2); short protein forms R266H, R301H.
Identifiers: ClinVar variation 2192919 (VCV002192919.5), dbSNP rs747558743, ClinGen allele CA6341375.
Genomic context (GRCh38, chr11:124,647,429, plus strand): 5'-ACAAGTCCAAATGGGAAGAAACGCTCCGTCTGCCCCTGGGAACCACGGTGGAAGGTTTCA[C>T]GCCAGTCTTCGATGAGTGCAGGGAATGTGCAATTGTACAGATCCGTGTTATAATTTATAT-3'
Protein context (NP_733746.1, residues 291-311): CTFPALIEDW[Arg301His]ETFHRGSQGQ